The following is an entry in ClinVar:

NM_000135.4(FANCA):c.4069_4070insT (p.Ala1357fs)

Genes: FANCA (FA complementation group A; minus strand), ZNF276 (zinc finger protein 276; plus strand). Cytogenetic location: 16q24.3.
Variant type: Insertion.
Coding change: c.4069_4070insT on transcript NM_000135.4 (MANE Select); coding-DNA positions 4069 to 4070, T inserted.
Protein change: p.Ala1357fs; shifts the reading frame from alanine 1357.
Molecular consequence: frameshift variant. On other transcripts: 3 prime UTR variant (2), non-coding transcript variant (4).
Genome position: GRCh38 VCF-style: chr16-89739230-G-GA. GRCh37 (hg19) VCF-style: chr16-89805638-G-GA.
Other names: c.4069_4070insT, p.Ala1357fs (NM_001286167.3); c.*984_*985insA (NM_001113525.2, NM_152287.4); short protein forms A1357fs.
Identifiers: ClinVar variation 4698295 (VCV004698295.2).

ClinVar aggregate classification (germline): Pathogenic. Review status: criteria provided, multiple submitters, no conflicts (2 of 4 stars). 2 submissions from 2 submitters: Pathogenic (2). Last evaluated 2025-07-21.

Conditions:
Fanconi anemia (FA). Also called: Fanconi's anemia. Identifiers: Orphanet 84, MedGen C0015625, MeSH D005199, MONDO:0019391.
FANCA-related disorder. Also called: FANCA-related condition.

Submissions (2):

Labcorp Genetics (formerly Invitae), Labcorp
Classification: Pathogenic for Fanconi anemia. Last evaluated: 2025-07-21. Review status: criteria provided, single submitter. Criteria: Invitae Variant Classification Sherloc (09022015). Collection method: clinical testing. Allele origin: germline.
Comment: This sequence change creates a premature translational stop signal (p.Ala1357Valfs*68) in the FANCA gene. While this is not anticipated to result in nonsense mediated decay, it is expected to disrupt the last 99 amino acid(s) of the FANCA protein. This variant is not present in population databases (gnomAD no frequency). This premature translational stop signal has been observed in individual(s) with Fanconi anemia (PMID: 31558676). Algorithms developed to predict the effect of sequence changes on RNA splicing suggest that this variant may disrupt the consensus splice site. This variant disrupts a region of the FANCA protein in which other variant(s) (p.Asp1427Thrfs*6) have been determined to be pathogenic (PMID: 11091222; internal data). This suggests that this is a clinically significant region of the protein, and that variants that disrupt it are likely to be disease-causing. For these reasons, this variant has been classified as Pathogenic.

PreventionGenetics, part of Exact Sciences
Classification: Pathogenic for FANCA-related condition. Last evaluated: 2025-06-12. Review status: criteria provided, single submitter. Criteria: ACMG Guidelines, 2015. Collection method: clinical testing. Allele origin: germline.
Comment: The FANCA c.4069_4070insT variant is predicted to result in a frameshift and premature protein termination (p.Ala1357Valfs*68). This variant has been reported in the homozygous state in individuals with Fanconi anemia or inherited bone marrow failure syndrome (Steinberg-Shemer et al. 2020. PubMed ID: 31558676; Gilad et al. 2022. PubMed ID: 35295078). This variant has not been reported in a large population database (gnomAD), indicating this variant is rare. Frameshift variants in FANCA are expected to be pathogenic. This variant is interpreted as pathogenic.

Literature cited by the submitters: PubMed 31558676 (cited by Labcorp Genetics (formerly Invitae), Labcorp); PubMed 11091222 (cited by Labcorp Genetics (formerly Invitae), Labcorp).